The following is an entry in ClinVar:

NM_017837.4(PIGV):c.1415T>C (p.Leu472Pro)

Gene: PIGV (phosphatidylinositol glycan anchor biosynthesis class V; plus strand). Cytogenetic location: 1p36.11.
Variant type: single nucleotide variant.
Coding change: c.1415T>C on transcript NM_017837.4 (MANE Select); coding-DNA position 1415, T replaced by C.
Protein change: p.Leu472Pro; replaces leucine 472 with proline.
Molecular consequence: missense variant. On other transcripts: non-coding transcript variant (2).
Genome position (GRCh38, 1-based): chr1:26,797,777, T>C. VCF-style: chr1-26797777-T-C. GRCh37 (hg19) VCF-style: chr1-27124268-T-C.
Other names: c.1415T>C, p.Leu472Pro (NM_001202554.2, NM_001374478.1, NM_001374480.1 and 2 more transcripts); c.1034T>C, p.Leu345Pro (NM_001374483.1); c.788T>C, p.Leu263Pro (NM_001374484.1, NM_001374485.1); c.293T>C, p.Leu98Pro (NM_001374486.1); short protein forms L472P, L263P, L345P, L98P.
Identifiers: ClinVar variation 422002 (VCV000422002.8), dbSNP rs774605091, ClinGen allele CA708226.

ClinVar aggregate classification (germline): Conflicting classifications of pathogenicity. Review status: criteria provided, conflicting classifications (1 of 4 stars). 3 submissions from 3 submitters: Likely pathogenic (1); Uncertain significance (1). 1 of the submissions does not count toward it. Last evaluated 2022-06-04.

Conditions:
Elevated circulating alkaline phosphatase concentration. Also called: Elevated alkaline phosphatase. Identifiers: MedGen C1314665, HP:0003155.

Allele frequency attached by ClinVar (database versions not stated): gnomAD 0.00001; gnomAD exomes 0.00007 and 0.00001; ExAC 0.00001; TOPMed 0.00003.
gnomAD v4.1: 102 of 1,613,936 alleles (0.0063%); highest among the groups gnomAD compares: Non-Finnish European, 0.0085%; no homozygotes.

Submissions (3):

Labcorp Genetics (formerly Invitae), Labcorp
Classification: Uncertain significance. Last evaluated: 2022-06-04. Review status: criteria provided, single submitter. Criteria: Invitae Variant Classification Sherloc (09022015). Collection method: clinical testing. Allele origin: germline.
Comment: This sequence change replaces leucine, which is neutral and non-polar, with proline, which is neutral and non-polar, at codon 472 of the PIGV protein (p.Leu472Pro). This variant is present in population databases (rs774605091, gnomAD 0.003%). This variant has not been reported in the literature in individuals affected with PIGV-related conditions. ClinVar contains an entry for this variant (Variation ID: 422002). Algorithms developed to predict the effect of missense changes on protein structure and function are either unavailable or do not agree on the potential impact of this missense change (SIFT: "Deleterious"; PolyPhen-2: "Probably Damaging"; Align-GVGD: "Class C0"). In summary, the available evidence is currently insufficient to determine the role of this variant in disease. Therefore, it has been classified as a Variant of Uncertain Significance.

GeneDx
Classification: Likely pathogenic. Last evaluated: 2016-08-25. Review status: criteria provided, single submitter. Criteria: GeneDx Variant Classification (06012015). Collection method: clinical testing. Allele origin: germline. Affected: yes.
Comment: The L472P variant in the PIGV gene has not been reported previously as a pathogenic variant, nor asa benign variant, to our knowledge. The L472P variant was not observed in approximately 6500individuals of European and African American ancestry in the NHLBI Exome Sequencing Project,indicating it is not a common benign variant in these populations. The L472P variant is asemi-conservative amino acid substitution, which may impact secondary protein structure as theseresidues differ in some properties. This substitution occurs at a position that is conserved acrossspecies. In silico analysis predicts this variant is probably damaging to the protein structure/function.The L472P variant is a strong candidate for a pathogenic variant, however the possibility it may be arare benign variant cannot be excluded.

Randwick Genomics Laboratory, Prince of Wales Hospital Sydney, Australia, New South Wales Health Pathology
Classification: Likely pathogenic for Elevated circulating alkaline phosphatase concentration. Last evaluated: 2021-07-12. Review status: no assertion criteria provided. Collection method: clinical testing. Allele origin: germline. Inheritance: Autosomal recessive inheritance. Affected: yes. Observed: 1 variant allele, 1 homozygote. Not counted in ClinVar's aggregate classification.
Comment: This variant is present in gnomAD at 1 in 83,874 alleles, a frequency consistent with a rare autosomal recessive disease. This variant is present in the ClinVar database and has been interpreted as likely pathogenic (VCV000422002.2, single submitter Gene Dx clinical testing 2016). Leu472 is a moderately conserved amino acid (considering 12 species) and is present in the GPI mannosyltransferase 2 protein domain (PF04188). In silico scores almost universally predict this change in the protein to be damaging (ClinPred 0.99, REVEL 0.869, SIFT 0.006, CADD 31). ACMG Summary - Likely Pathogenic PM1 Located in a critical and well-established functional domain PM2 Absent from controls (or at extremely low frequency if recessive) PM3_supporting For recessive disorders, detected in trans with a pathogenic variant PP3 Multiple lines of computational evidence support a deleterious effect on the gene or gene product PP4 Patientâ€™s phenotype or family history is highly specific for a disease with a single genetic etiology